The following is an entry in ClinVar:

NM_138713.4(NFAT5):c.1109G>A (p.Arg370Gln)

Gene: NFAT5 (nuclear factor of activated T cells 5; plus strand). Cytogenetic location: 16q22.1.
Variant type: single nucleotide variant.
Coding change: c.1109G>A on transcript NM_138713.4 (MANE Select); coding-DNA position 1109, G replaced by A.
Protein change: p.Arg370Gln; replaces arginine 370 with glutamine.
Molecular consequence: missense variant.
Genome position (GRCh38, 1-based): chr16:69,655,712, G>A. VCF-style: chr16-69655712-G-A. GRCh37 (hg19) VCF-style: chr16-69689615-G-A.
Other names: c.1109G>A, p.Arg370Gln (NM_001113178.3); c.437G>A, p.Arg146Gln (NM_001367709.1); c.1055G>A, p.Arg352Gln (NM_006599.4); c.827G>A, p.Arg276Gln (NM_138714.4, NM_173214.3, NM_173215.3); short protein forms R146Q, R276Q, R352Q, R370Q.
Identifiers: ClinVar variation 2761387 (VCV002761387.3), dbSNP rs2543986325, ClinGen allele CA396491197.

ClinVar aggregate classification (germline): Uncertain significance (1 of 4 stars; one submission).

Conditions:
Immunodeficiency. Identifiers: MedGen C0021051, MONDO:0021094, HP:0002721.

Submission:

Labcorp Genetics (formerly Invitae), Labcorp
Classification: Uncertain significance for Immunodeficiency. Last evaluated: 2023-09-17. Review status: criteria provided, single submitter. Criteria: Invitae Variant Classification Sherloc (09022015). Collection method: clinical testing. Allele origin: germline.
Comment: This sequence change replaces arginine, which is basic and polar, with glutamine, which is neutral and polar, at codon 276 of the NFAT5 protein (p.Arg276Gln). In summary, the available evidence is currently insufficient to determine the role of this variant in disease. Therefore, it has been classified as a Variant of Uncertain Significance. An algorithm developed to predict the effect of missense changes on protein structure and function (PolyPhen-2) suggests that this variant is likely to be disruptive. This variant has not been reported in the literature in individuals affected with NFAT5-related conditions. This variant is not present in population databases (gnomAD no frequency).